The following is an entry in ClinVar:

NM_002691.4(POLD1):c.1740C>G (p.Asp580Glu)

Gene: POLD1 (DNA polymerase delta 1, catalytic subunit; plus strand). Cytogenetic location: 19q13.33.
Variant type: single nucleotide variant.
Coding change: c.1740C>G on transcript NM_002691.4 (MANE Select); coding-DNA position 1740, C replaced by G.
Protein change: p.Asp580Glu; replaces aspartic acid 580 with glutamic acid.
Molecular consequence: missense variant. On other transcripts: non-coding transcript variant (1).
Genome position (GRCh38, 1-based): chr19:50,407,380, C>G. VCF-style: chr19-50407380-C-G. GRCh37 (hg19) VCF-style: chr19-50910637-C-G.
Other names: c.1740C>G, p.Asp580Glu (NM_001256849.1, NM_001308632.1); short protein forms D580E.
Identifiers: ClinVar variation 2792860 (VCV002792860.3), dbSNP rs2514003452, ClinGen allele CA406981278.

ClinVar aggregate classification (germline): Uncertain significance (1 of 4 stars; one submission).

Conditions:
POLD1-related polyposis and colorectal cancer syndrome (CRCS10). Also called: Colorectal cancer 10; Colorectal cancer, susceptibility to, 10; COLORECTAL CANCER, SUSCEPTIBILITY TO, ON CHROMOSOME 19q. Identifiers: Orphanet 220460, MedGen C2675481, MONDO:0012953, OMIM 612591.

Submission:

Labcorp Genetics (formerly Invitae), Labcorp
Classification: Uncertain significance for POLD1-related polyposis and colorectal cancer syndrome. Last evaluated: 2023-05-25. Review status: criteria provided, single submitter. Criteria: Invitae Variant Classification Sherloc (09022015). Collection method: clinical testing. Allele origin: germline.
Comment: In summary, the available evidence is currently insufficient to determine the role of this variant in disease. Therefore, it has been classified as a Variant of Uncertain Significance. Advanced modeling of protein sequence and biophysical properties (such as structural, functional, and spatial information, amino acid conservation, physicochemical variation, residue mobility, and thermodynamic stability) performed at Invitae indicates that this missense variant is not expected to disrupt POLD1 protein function. This variant has not been reported in the literature in individuals affected with POLD1-related conditions. This variant is not present in population databases (gnomAD no frequency). This sequence change replaces aspartic acid, which is acidic and polar, with glutamic acid, which is acidic and polar, at codon 580 of the POLD1 protein (p.Asp580Glu).